The following is an entry in ClinVar:

NM_001079843.3(CASZ1):c.5094CGAGGACGACGACGA[1] (p.1698DEDDD[1])

Gene: CASZ1 (castor zinc finger 1; minus strand). Cytogenetic location: 1p36.22.
Variant type: Microsatellite.
Coding change: c.5094CGAGGACGACGACGA[1] on transcript NM_001079843.3 (MANE Select); one copy of the 15-base unit CGAGGACGACGACGA starting at c.5094; the reference has two copies in a row; one copy, 15 bases deleted.
Protein change: p.1698DEDDD[1].
Molecular consequence: inframe deletion.
Genome position (GRCh38, 1-based): chr1:10,639,099-10,639,113, TCGTCGTCGTCCTCG deleted on the plus strand (CGAGGACGACGACGA on the coding strand, the reverse complement: CASZ1 is on the minus strand); deleting any 15 consecutive bases within chr1:10,639,099-10,639,136 gives the same sequence; the position shown is the placement nearest the transcript's 3' end. VCF-style (leftmost placement, unchanged base first): chr1-10639098-CTCGTCGTCGTCCTCG-C. GRCh37 (hg19) VCF-style: chr1-10699155-CTCGTCGTCGTCCTCG-C.
Identifiers: ClinVar variation 1391878 (VCV001391878.12), dbSNP rs762322588, ClinGen allele CA584073.

ClinVar aggregate classification (germline): Conflicting classifications of pathogenicity. Review status: criteria provided, conflicting classifications (1 of 4 stars). 4 submissions from 4 submitters: Uncertain significance (2); Likely benign (2). Last evaluated 2026-05-01.

Submissions (4):

CeGaT Center for Human Genetics Tuebingen
Classification: Likely benign. Last evaluated: 2026-05-01. Review status: criteria provided, single submitter. Criteria: CeGaT Center For Human Genetics Tuebingen Variant Classification Criteria Version 2. Collection method: clinical testing. Allele origin: germline. Affected: yes. Observed: 2 variant alleles.
Comment: CASZ1: BS1

Labcorp Genetics (formerly Invitae), Labcorp
Classification: Uncertain significance. Last evaluated: 2025-11-14. Review status: criteria provided, single submitter. Criteria: Invitae Variant Classification Sherloc (09022015). Collection method: clinical testing. Allele origin: germline.
Comment: This variant, c.5109_5123del, results in the deletion of 5 amino acid(s) of the CASZ1 protein (p.Asp1703_Asp1707del), but otherwise preserves the integrity of the reading frame. The frequency data for this variant in the population databases is considered unreliable, as metrics indicate poor data quality at this position in the gnomAD database. This variant has not been reported in the literature in individuals affected with CASZ1-related conditions. Experimental studies and prediction algorithms are not available or were not evaluated, and the functional significance of this variant is currently unknown. In summary, the available evidence is currently insufficient to determine the role of this variant in disease. Therefore, it has been classified as a Variant of Uncertain Significance.

Blueprint Genetics
Classification: Likely benign. Last evaluated: 2024-09-30. Review status: criteria provided, single submitter. Criteria: ACMG Guidelines, 2015. Collection method: clinical testing. Allele origin: germline.

Breakthrough Genomics
Classification: Uncertain significance. Review status: criteria provided, single submitter. Criteria: ACMG Guidelines, 2015. Collection method: not provided. Allele origin: germline. Inheritance: Unknown mechanism. Affected: yes.